The following is an entry in ClinVar:

ClinVar aggregate classification (germline): Uncertain significance (1 of 4 stars; one submission).

Conditions:
Developmental and epileptic encephalopathy, 32 (DEE32). Also called: Epileptic encephalopathy, early infantile, 32. Identifiers: Orphanet 442835, MedGen C4225350, MONDO:0014607, OMIM 616366.

Submission:

Labcorp Genetics (formerly Invitae), Labcorp
Classification: Uncertain significance for Developmental and epileptic encephalopathy, 32. Last evaluated: 2020-03-23. Review status: criteria provided, single submitter. Criteria: Invitae Variant Classification Sherloc (09022015). Collection method: clinical testing. Allele origin: germline.
Comment: Experimental studies and prediction algorithms are not available or were not evaluated, and the functional significance of this variant is currently unknown. In summary, the available evidence is currently insufficient to determine the role of this variant in disease. Therefore, it has been classified as a Variant of Uncertain Significance. This sequence change results in a premature translational stop signal in the KCNA2 gene (p.Gln93*). While this is not anticipated to result in nonsense mediated decay, it is expected to disrupt the last 407 amino acids of the KCNA2 protein. This variant is not present in population databases (ExAC no frequency). This variant has not been reported in the literature in individuals with KCNA2-related conditions.

NM_004974.4(KCNA2):c.277C>T (p.Gln93Ter)

Gene: KCNA2 (potassium voltage-gated channel subfamily A member 2; minus strand). Cytogenetic location: 1p13.3.
Variant type: single nucleotide variant.
Coding change: c.277C>T on transcript NM_004974.4 (MANE Select); coding-DNA position 277, C replaced by T.
Protein change: p.Gln93Ter; replaces glutamine 93 with a stop codon.
Molecular consequence: nonsense.
Genome position (GRCh38, 1-based): chr1:110,604,506, G>A on the plus strand (C>T on the coding strand, the complement: KCNA2 is on the minus strand). VCF-style: chr1-110604506-G-A. GRCh37 (hg19) VCF-style: chr1-111147128-G-A.
Other names: c.277C>T, p.Gln93Ter (NM_001204269.2); short protein forms Q93*.
Identifiers: ClinVar variation 1000193 (VCV001000193.7), dbSNP rs1649511099, ClinGen allele CA341606085.